The following is an entry in ClinVar:

NM_014265.6(ADAM28):c.1110T>C (p.Tyr370=)

Genes: ADAM28 (ADAM metallopeptidase domain 28; plus strand), ADAM7-AS1 (ADAM7, ADAMDEC1 and ADAM28 antisense RNA 1; minus strand). Cytogenetic location: 8p21.2.
Variant type: single nucleotide variant.
Coding change: c.1110T>C on transcript NM_014265.6 (MANE Select); coding-DNA position 1110, T replaced by C.
Protein change: p.Tyr370=; no amino-acid change (tyrosine 370 retained).
Molecular consequence: synonymous variant. On other transcripts: non-coding transcript variant (2).
Genome position (GRCh38, 1-based): chr8:24,331,156, T>C. VCF-style: chr8-24331156-T-C. GRCh37 (hg19) VCF-style: chr8-24188669-T-C.
Other names: c.1110T>C, p.Tyr370= (NM_001304351.2, NM_021777.5, NM_021778.1).
Identifiers: ClinVar variation 2658483 (VCV002658483.24), dbSNP rs760445061, ClinGen allele CA4678664.
Genomic context (GRCh38, chr8:24,331,156, plus strand): 5'-TTCGCACATGTTAAGCATGACTATATTCCAGTTTTTCTTTCCTTATCTTCACAGCTTCTA[T>C]ATACCCACAGACTTCAGTTCCTGCAGCCGTCTCAGCTATGACAAGTTTTTTGAAGATAAA-3'
Protein context (NP_055080.2, residues 360-380): ICVMDKALSF[Tyr370=]IPTDFSSCSR

ClinVar aggregate classification (germline): Likely benign (1 of 4 stars; one submission).

Allele frequency attached by ClinVar (database versions not stated): gnomAD 0.00001; ExAC 0.00002; TOPMed 0.00002; gnomAD exomes 0.00005.
gnomAD v4.1: 83 of 1,610,246 alleles (0.0052%); highest among the groups gnomAD compares: Non-Finnish European, 0.0065%; no homozygotes.

Submission:

CeGaT Center for Human Genetics Tuebingen
Classification: Likely benign. Last evaluated: 2022-11-01. Review status: criteria provided, single submitter. Criteria: CeGaT Center For Human Genetics Tuebingen Variant Classification Criteria Version 2. Collection method: clinical testing. Allele origin: germline. Affected: yes. Observed: 1 variant allele.
Comment: ADAM28: BP4, BP7